The following is an entry in ClinVar:

NM_001348800.3(ZBTB20):c.2182G>A (p.Glu728Lys)

Gene: ZBTB20 (zinc finger and BTB domain containing 20; minus strand). Cytogenetic location: 3q13.31.
Variant type: single nucleotide variant.
Coding change: c.2182G>A on transcript NM_001348800.3 (MANE Select); coding-DNA position 2182, G replaced by A.
Protein change: p.Glu728Lys; replaces glutamic acid 728 with lysine.
Molecular consequence: missense variant. On other transcripts: non-coding transcript variant (1).
Genome position (GRCh38, 1-based): chr3:114,339,049, C>T on the plus strand (G>A on the coding strand, the complement: ZBTB20 is on the minus strand). VCF-style: chr3-114339049-C-T. GRCh37 (hg19) VCF-style: chr3-114057896-C-T.
Other names: c.2182G>A, p.Glu728Lys (NM_001164342.2, NM_001348803.3, NM_001393393.1 and 1 more transcripts); c.1963G>A, p.Glu655Lys (NM_001164343.2, NM_001164344.4, NM_001164345.4 and 9 more transcripts); short protein forms E728K, E655K.
Identifiers: ClinVar variation 2800200 (VCV002800200.3), dbSNP rs2550436341, ClinGen allele CA353998986.

ClinVar aggregate classification (germline): Uncertain significance (1 of 4 stars; one submission).

Allele frequency attached by ClinVar (database versions not stated): gnomAD exomes below 0.00001.
gnomAD v4.1: 4 of 1,543,118 alleles (0.00026%); highest among the groups gnomAD compares: South Asian, 0.0025%; no homozygotes.

Submission:

Labcorp Genetics (formerly Invitae), Labcorp
Classification: Uncertain significance. Last evaluated: 2023-05-03. Review status: criteria provided, single submitter. Criteria: Invitae Variant Classification Sherloc (09022015). Collection method: clinical testing. Allele origin: germline.
Comment: This sequence change replaces glutamic acid, which is acidic and polar, with lysine, which is basic and polar, at codon 728 of the ZBTB20 protein (p.Glu728Lys). This variant is not present in population databases (gnomAD no frequency). This variant has not been reported in the literature in individuals affected with ZBTB20-related conditions. Advanced modeling of protein sequence and biophysical properties (such as structural, functional, and spatial information, amino acid conservation, physicochemical variation, residue mobility, and thermodynamic stability) performed at Invitae indicates that this missense variant is expected to disrupt ZBTB20 protein function. In summary, the available evidence is currently insufficient to determine the role of this variant in disease. Therefore, it has been classified as a Variant of Uncertain Significance.